The following is an entry in ClinVar:

ClinVar aggregate classification (germline): Uncertain significance (1 of 4 stars; one submission).

Allele frequency attached by ClinVar (database versions not stated): gnomAD exomes below 0.00001; gnomAD 0.00001.
gnomAD v4.1: 2 of 1,613,990 alleles (0.00012%); highest among the groups gnomAD compares: East Asian, 0.0045%; no homozygotes.

Submission:

GeneDx
Classification: Uncertain significance. Last evaluated: 2023-04-06. Review status: criteria provided, single submitter. Criteria: GeneDx Variant Classification Process June 2021. Collection method: clinical testing. Allele origin: germline. Affected: yes.
Comment: Not observed at significant frequency in large population cohorts (gnomAD); In silico analysis supports that this missense variant does not alter protein structure/function; Has not been previously published as pathogenic or benign to our knowledge

NM_001372.4(DNAH9):c.2452A>T (p.Met818Leu)

Gene: DNAH9 (dynein axonemal heavy chain 9; plus strand). Cytogenetic location: 17p12.
Variant type: single nucleotide variant.
Coding change: c.2452A>T on transcript NM_001372.4 (MANE Select); coding-DNA position 2452, A replaced by T.
Protein change: p.Met818Leu; replaces methionine 818 with leucine.
Molecular consequence: missense variant.
Genome position (GRCh38, 1-based): chr17:11,652,859, A>T. VCF-style: chr17-11652859-A-T. GRCh37 (hg19) VCF-style: chr17-11556176-A-T.
Other names: short protein forms M818L.
Identifiers: ClinVar variation 2662514 (VCV002662514.1), dbSNP rs985710462, ClinGen allele CA398177552.